The following is an entry in ClinVar:

NM_201599.3(ZMYM3):c.2314A>G (p.Ser772Gly)

Gene: ZMYM3 (zinc finger MYM-type containing 3; minus strand). Cytogenetic location: Xq13.1.
Variant type: single nucleotide variant.
Coding change: c.2314A>G on transcript NM_201599.3 (MANE Select); coding-DNA position 2314, A replaced by G.
Protein change: p.Ser772Gly; replaces serine 772 with glycine.
Molecular consequence: missense variant.
Genome position (GRCh38, 1-based): chrX:71,247,345, T>C on the plus strand (A>G on the coding strand, the complement: ZMYM3 is on the minus strand). VCF-style: chrX-71247345-T-C. GRCh37 (hg19) VCF-style: chrX-70467195-T-C.
Other names: c.2314A>G, p.Ser772Gly (NM_001171162.1, NM_005096.3); short protein forms S772G.
Identifiers: ClinVar variation 3361555 (VCV003361555.1).

ClinVar aggregate classification (germline): Uncertain significance (1 of 4 stars; one submission).

Submission:

GeneDx
Classification: Uncertain significance. Last evaluated: 2023-07-31. Review status: criteria provided, single submitter. Criteria: GeneDx Variant Classification Process June 2021. Collection method: clinical testing. Allele origin: germline. Affected: yes.
Comment: Not observed at significant frequency in large population cohorts (gnomAD); In silico analysis supports that this missense variant does not alter protein structure/function; Has not been previously published as pathogenic or benign to our knowledge